The following is an entry in ClinVar:

ClinVar aggregate classification (germline): Conflicting classifications of pathogenicity. Review status: criteria provided, conflicting classifications (1 of 4 stars). 2 submissions from 2 submitters: Uncertain significance (1); Likely benign (1). Last evaluated 2025-04-21.

Allele frequency attached by ClinVar (database versions not stated): ExAC 0.00002; gnomAD 0.00004; TOPMed 0.00006.
gnomAD v4.1: 87 of 1,611,810 alleles (0.0054%); highest among the groups gnomAD compares: Non-Finnish European, 0.007%; no homozygotes.

Submissions (2):

Ambry Genetics
Classification: Likely benign. Last evaluated: 2025-04-21. Review status: criteria provided, single submitter. Criteria: Ambry Variant Classification Scheme 2023. Collection method: clinical testing. Allele origin: germline.

Labcorp Genetics (formerly Invitae), Labcorp
Classification: Uncertain significance. Last evaluated: 2022-03-13. Review status: criteria provided, single submitter. Criteria: Invitae Variant Classification Sherloc (09022015). Collection method: clinical testing. Allele origin: germline.
Comment: Algorithms developed to predict the effect of missense changes on protein structure and function output the following: SIFT: "Tolerated"; PolyPhen-2: "Benign"; Align-GVGD: "Class C0". The isoleucine amino acid residue is found in multiple mammalian species, which suggests that this missense change does not adversely affect protein function. In summary, the available evidence is currently insufficient to determine the role of this variant in disease. Therefore, it has been classified as a Variant of Uncertain Significance. This variant has not been reported in the literature in individuals affected with SLC13A3-related conditions. This variant is present in population databases (rs763705904, gnomAD 0.006%). This sequence change replaces valine, which is neutral and non-polar, with isoleucine, which is neutral and non-polar, at codon 68 of the SLC13A3 protein (p.Val68Ile).

NM_022829.6(SLC13A3):c.202G>A (p.Val68Ile)

Gene: SLC13A3 (solute carrier family 13 member 3; minus strand). Cytogenetic location: 20q13.12.
Variant type: single nucleotide variant.
Coding change: c.202G>A on transcript NM_022829.6 (MANE Select); coding-DNA position 202, G replaced by A.
Protein change: p.Val68Ile; replaces valine 68 with isoleucine.
Molecular consequence: missense variant. On other transcripts: intron variant (1).
Genome position (GRCh38, 1-based): chr20:46,613,635, C>T on the plus strand (G>A on the coding strand, the complement: SLC13A3 is on the minus strand). VCF-style: chr20-46613635-C-T. GRCh37 (hg19) VCF-style: chr20-45242274-C-T.
Other names: c.61G>A, p.Val21Ile (NM_001011554.3, NM_001193340.2); c.202G>A, p.Val68Ile (NM_001193339.2); c.-10-83G>A (NM_001193342.2); c.202G>A (NM_022829.5); short protein forms V21I, V68I.
Identifiers: ClinVar variation 1925144 (VCV001925144.6), dbSNP rs763705904, ClinGen allele CA9891691.
Genomic context (GRCh38, chr20:46,613,635, plus strand): 5'-CGAGGAAGTACTGGGGGCAGACCTTGTTGGAGGGCAAGATGCCCATGAAGGGGAAGAGGA[C>T]GATGGGCAGCAGCGCCGTCACTGAGAGCGGCAGGGCCTCCGTGCACCAGTACACCGCCAT-3'
Protein context (NP_073740.2, residues 58-78): PLSVTALLPI[Val68Ile]LFPFMGILPS